The following is an entry in ClinVar:

ClinVar aggregate classification (germline): Conflicting classifications of pathogenicity. Review status: criteria provided, conflicting classifications (1 of 4 stars). 3 submissions from 3 submitters: Uncertain significance (2); Likely benign (1). Last evaluated 2026-04-22.

Conditions:
Inborn genetic diseases. Identifiers: MedGen C0950123, MeSH D030342.
DYRK1A-related intellectual disability syndrome (MRD7). Also called: DYRK1A Syndrome; Intellectual developmental disorder, autosomal dominant 7. Identifiers: Orphanet 464306, MedGen C5568143, MONDO:0013578, OMIM 614104.

Allele frequency attached by ClinVar (database versions not stated): gnomAD exomes below 0.00001; TOPMed 0.00001.
gnomAD v4.1: 1 of 1,584,434 alleles (0.000063%); highest among the groups gnomAD compares: African/African-American, 0.0013%; no homozygotes.

Submissions (3):

Ambry Genetics
Classification: Uncertain significance for Inborn genetic diseases. Last evaluated: 2026-04-22. Review status: criteria provided, single submitter. Criteria: Ambry Variant Classification Scheme 2023. Collection method: clinical testing. Allele origin: germline.

Labcorp Genetics (formerly Invitae), Labcorp
Classification: Likely benign for DYRK1A-related intellectual disability syndrome. Last evaluated: 2023-11-27. Review status: criteria provided, single submitter. Criteria: Invitae Variant Classification Sherloc (09022015). Collection method: clinical testing. Allele origin: germline.

GeneDx
Classification: Uncertain significance. Last evaluated: 2019-07-25. Review status: criteria provided, single submitter. Criteria: GeneDx Variant Classification Process June 2021. Collection method: clinical testing. Allele origin: germline. Affected: yes.
Comment: Not observed in large population cohorts (Lek et al., 2016); In silico analysis, which includes protein predictors and evolutionary conservation, supports a deleterious effect; Has not been previously published as pathogenic or benign to our knowledge

NM_001347721.2(DYRK1A):c.19A>G (p.Thr7Ala)

Gene: DYRK1A (dual specificity tyrosine phosphorylation regulated kinase 1A; plus strand). Cytogenetic location: 21q22.13.
Variant type: single nucleotide variant.
Coding change: c.19A>G on transcript NM_001347721.2 (MANE Select); coding-DNA position 19, A replaced by G.
Protein change: p.Thr7Ala; replaces threonine 7 with alanine.
Molecular consequence: missense variant. On other transcripts: 5 prime UTR variant (1).
Genome position (GRCh38, 1-based): chr21:37,472,692, A>G. VCF-style: chr21-37472692-A-G. GRCh37 (hg19) VCF-style: chr21-38844994-A-G.
Other names: c.19A>G, p.Thr7Ala (NM_001347722.2, NM_001396.5, NM_101395.2 and 2 more transcripts); c.-69A>G (NM_001347723.2); short protein forms T7A.
Identifiers: ClinVar variation 959254 (VCV000959254.14), dbSNP rs2052265794, ClinGen allele CA409942077.